The following is an entry in ClinVar:

NM_000275.3(OCA2):c.2138A>G (p.Lys713Arg)

Gene: OCA2 (OCA2 melanosomal transmembrane protein; minus strand). Cytogenetic location: 15q13.1.
Variant type: single nucleotide variant.
Coding change: c.2138A>G on transcript NM_000275.3 (MANE Select); coding-DNA position 2138, A replaced by G.
Protein change: p.Lys713Arg; replaces lysine 713 with arginine.
Molecular consequence: missense variant.
Genome position (GRCh38, 1-based): chr15:27,871,864, T>C on the plus strand (A>G on the coding strand, the complement: OCA2 is on the minus strand). VCF-style: chr15-27871864-T-C. GRCh37 (hg19) VCF-style: chr15-28117010-T-C.
Other names: c.2066A>G, p.Lys689Arg (NM_001300984.2); short protein forms K689R, K713R.
Identifiers: ClinVar variation 3701836 (VCV003701836.2).

ClinVar aggregate classification (germline): Uncertain significance (1 of 4 stars; one submission).

Submission:

Labcorp Genetics (formerly Invitae), Labcorp
Classification: Uncertain significance. Last evaluated: 2025-01-29. Review status: criteria provided, single submitter. Criteria: Invitae Variant Classification Sherloc (09022015). Collection method: clinical testing. Allele origin: germline.
Comment: This sequence change replaces lysine, which is basic and polar, with arginine, which is basic and polar, at codon 713 of the OCA2 protein (p.Lys713Arg). This variant is not present in population databases (gnomAD no frequency). This variant has not been reported in the literature in individuals affected with OCA2-related conditions. An algorithm developed to predict the effect of missense changes on protein structure and function (PolyPhen-2) suggests that this variant is likely to be disruptive. Algorithms developed to predict the effect of sequence changes on RNA splicing suggest that this variant may disrupt the consensus splice site. In summary, the available evidence is currently insufficient to determine the role of this variant in disease. Therefore, it has been classified as a Variant of Uncertain Significance.